The following is an entry in ClinVar:

ClinVar aggregate classification (germline): Uncertain significance (1 of 4 stars; one submission).

Conditions:
Fanconi anemia (FA). Also called: Fanconi's anemia. Identifiers: Orphanet 84, MedGen C0015625, MeSH D005199, MONDO:0019391.

Submission:

Labcorp Genetics (formerly Invitae), Labcorp
Classification: Uncertain significance for Fanconi anemia. Last evaluated: 2024-04-29. Review status: criteria provided, single submitter. Criteria: Invitae Variant Classification Sherloc (09022015). Collection method: clinical testing. Allele origin: germline.
Comment: This sequence change replaces threonine, which is neutral and polar, with asparagine, which is neutral and polar, at codon 1231 of the FANCM protein (p.Thr1231Asn). This variant is not present in population databases (gnomAD no frequency). This variant has not been reported in the literature in individuals affected with FANCM-related conditions. ClinVar contains an entry for this variant (Variation ID: 456266). Algorithms developed to predict the effect of missense changes on protein structure and function output the following: SIFT: "Not Available"; PolyPhen-2: "Benign"; Align-GVGD: "Not Available". The asparagine amino acid residue is found in multiple mammalian species, which suggests that this missense change does not adversely affect protein function. In summary, the available evidence is currently insufficient to determine the role of this variant in disease. Therefore, it has been classified as a Variant of Uncertain Significance.

NM_020937.4(FANCM):c.3692C>A (p.Thr1231Asn)

Gene: FANCM (FA complementation group M; plus strand). Cytogenetic location: 14q21.2.
Variant type: single nucleotide variant.
Coding change: c.3692C>A on transcript NM_020937.4 (MANE Select); coding-DNA position 3692, C replaced by A.
Protein change: p.Thr1231Asn; replaces threonine 1231 with asparagine.
Molecular consequence: missense variant.
Genome position (GRCh38, 1-based): chr14:45,176,446, C>A. VCF-style: chr14-45176446-C-A. GRCh37 (hg19) VCF-style: chr14-45645649-C-A.
Other names: c.3614C>A, p.Thr1205Asn (NM_001308133.2); c.3692C>A (LRG_502t1); short protein forms T1231N, T1205N.
Identifiers: ClinVar variation 456266 (VCV000456266.8), dbSNP rs1555364981, ClinGen allele CA389602613.